The following is an entry in ClinVar:

ClinVar aggregate classification (germline): Likely benign. Review status: criteria provided, single submitter (1 of 4 stars). 2 submissions from 2 submitters: Likely benign (1). 1 of the submissions does not count toward it. Last evaluated 2026-01-22.

Conditions:
THAP11-related disorder. Also called: THAP11-related condition.

Submissions (2):

Labcorp Genetics (formerly Invitae), Labcorp
Classification: Likely benign. Last evaluated: 2026-01-22. Review status: criteria provided, single submitter. Criteria: Invitae Variant Classification Sherloc (09022015). Collection method: clinical testing. Allele origin: germline.

PreventionGenetics, part of Exact Sciences
Classification: Benign for THAP11-related condition. Last evaluated: 2024-02-08. Review status: no assertion criteria provided. Collection method: clinical testing. Allele origin: germline. Not counted in ClinVar's aggregate classification.
Comment: This variant is classified as benign based on ACMG/AMP sequence variant interpretation guidelines (Richards et al. 2015 PMID: 25741868, with internal and published modifications).

NM_020457.3(THAP11):c.367CAG[12] (p.Gln132_Ser133insGlnGln)

Genes: CENPT (centromere protein T; minus strand), THAP11 (THAP domain containing 11; plus strand). Cytogenetic location: 16q22.1.
Variant type: Microsatellite.
Coding change: c.367CAG[12] on transcript NM_020457.3 (MANE Select); 12 copies in a row of the 3-base unit CAG starting at c.367; the reference has ten copies in a row; two copies, 6 bases duplicated.
Protein change: p.Gln132_Ser133insGlnGln.
Molecular consequence: inframe insertion. On other transcripts: intron variant (1).
Genome position (GRCh38, 1-based): chr16:67,842,945-67,842,950, CAGCAG duplicated; duplicating any 6 consecutive bases within chr16:67,842,921-67,842,950 gives the same sequence; the position shown is the placement nearest the transcript's 3' end. VCF-style (leftmost placement, unchanged base first): chr16-67842920-A-ACAGCAG. GRCh37 (hg19) VCF-style: chr16-67876823-A-ACAGCAG.
Other names: c.-492+4451CTG[12] (NM_025082.4).
Identifiers: ClinVar variation 1645486 (VCV001645486.10), dbSNP rs377516180, ClinGen allele CA8118232.